The following is an entry in ClinVar:

NC_000002.12:g.(?_44321336)_(44359735_?)del

Genes: PREPL (prolyl endopeptidase like; minus strand), SLC3A1 (solute carrier family 3 member 1; plus strand). Cytogenetic location: 2p21.
Variant type: Deletion.
Identifiers: ClinVar variation 478305 (VCV000478305.2).

ClinVar aggregate classification (germline): Pathogenic (1 of 4 stars; one submission).

Conditions:
Myasthenic syndrome, congenital, 22 (CMS22). Also called: PREPL DEFICIENCY. Identifiers: MedGen C4479088, MONDO:0044299, OMIM 616224.

Submission:

Labcorp Genetics (formerly Invitae), Labcorp
Classification: Pathogenic for Myasthenic syndrome, congenital, 22. Last evaluated: 2018-07-27. Review status: criteria provided, single submitter. Criteria: Invitae Variant Classification Sherloc (09022015). Collection method: clinical testing. Allele origin: germline.
Comment: A gross deletion of the genomic region encompassing the full coding sequence of the PREPL gene has been identified. The boundaries of this event are unknown as the deletion extends beyond the assayed region for this gene and therefore may encompass additional genes. This variant has been observed on the opposite chromosome (in trans) from an individual affected with PREPL deficiency (PMID:Â¬â€ 28726805). This finding is consistent with autosomal recessive inheritance, and suggests that this variant contributes to disease. Loss-of-function variants in PREPL are known to be pathogenic (PMID: 24610330, 28726805, 29913539). For these reasons, this variant has been classified as Pathogenic.